The following is an entry in ClinVar:

NM_000543.5(SMPD1):c.564del (p.Lys189fs)

Gene: SMPD1 (sphingomyelin phosphodiesterase 1; plus strand). Cytogenetic location: 11p15.4.
Variant type: Deletion.
Coding change: c.564del on transcript NM_000543.5 (MANE Select); coding-DNA position 564, one base deleted (C; older notation c.564delC).
Protein change: p.Lys189fs; shifts the reading frame from lysine 189.
Molecular consequence: frameshift variant. On other transcripts: 5 prime UTR variant (1), non-coding transcript variant (1).
Genome position (GRCh38, 1-based): chr11:6,391,629, C deleted; the last of 6 consecutive C bases (chr11:6,391,624-6,391,629); deleting any one gives the same sequence. VCF-style (leftmost placement, unchanged base first): chr11-6391623-GC-G. GRCh37 (hg19) VCF-style: chr11-6412853-GC-G.
Other names: c.564delC (NM_000543.4, NM_000543.4); c.561del, p.Lys188fs (NM_001007593.3); c.564del, p.Lys189fs (NM_001318087.2, NM_001365135.2); c.-398del (NM_001318088.2); short protein forms K188fs, K189fs.
Identifiers: ClinVar variation 496857 (VCV000496857.12), dbSNP rs756366019, ClinGen allele CA5852627.

ClinVar aggregate classification (germline): Pathogenic. Review status: criteria provided, multiple submitters, no conflicts (2 of 4 stars). 4 submissions from 4 submitters: Pathogenic (4). Last evaluated 2023-08-31.

Conditions:
Niemann-Pick disease, type A. Also called: Infantile Neurovisceral ASMD (Niemann-Pick Disease Type A; NPD-A); SPHINGOMYELIN LIPIDOSIS; SPHINGOMYELINASE DEFICIENCY. Identifiers: Orphanet 77292, MedGen C0268242, MONDO:0009756, OMIM 257200. Disease mechanism: loss of function.
Niemann-Pick disease, type B. Also called: Chronic Visceral ASMD (Niemann-Pick Disease Type B; NPD-B). Identifiers: Orphanet 77293, MedGen C0268243, MONDO:0011871, OMIM 607616. Disease mechanism: loss of function.
Sphingomyelin/cholesterol lipidosis. Also called: Niemann-Pick disease. Identifiers: MedGen C0028064, MONDO:0001982.

Submissions (4):

Labcorp Genetics (formerly Invitae), Labcorp
Classification: Pathogenic for Niemann-Pick disease, type B; Niemann-Pick disease, type A. Last evaluated: 2023-08-31. Review status: criteria provided, single submitter. Criteria: Invitae Variant Classification Sherloc (09022015). Collection method: clinical testing. Allele origin: germline.
Comment: This sequence change creates a premature translational stop signal (p.Lys189Asnfs*68) in the SMPD1 gene. It is expected to result in an absent or disrupted protein product. Loss-of-function variants in SMPD1 are known to be pathogenic (PMID: 12369017, 15221801). The frequency data for this variant in the population databases is considered unreliable, as metrics indicate poor data quality at this position in the gnomAD database. This premature translational stop signal has been observed in individual(s) with Niemann–Pick disease (PMID: 27338287). This variant is also known as c.559delC. ClinVar contains an entry for this variant (Variation ID: 496857). For these reasons, this variant has been classified as Pathogenic.

Women's Health and Genetics/Laboratory Corporation of America, LabCorp
Classification: Pathogenic for Niemann-Pick disease, type A. Last evaluated: 2022-06-10. Review status: criteria provided, single submitter. Criteria: LabCorp Variant Classification Summary - May 2015. Collection method: clinical testing. Allele origin: germline.
Comment: Variant summary: SMPD1 c.564delC (p.Lys189AsnfsX68) results in a premature termination codon, predicted to cause a truncation of the encoded protein or absence of the protein due to nonsense mediated decay, which are commonly known mechanisms for disease. Truncations downstream of this position have been classified as pathogenic by our laboratory. The variant allele was found at a frequency of 1.4e-05 in 148122 control chromosomes (gnomAD). c.564delC has been reported in the literature in a compound heterozygote and a homozygote individuals affected with Niemann-Pick Disease Type A (Ranganath_2016, Li_2018). These data indicate that the variant may be associated with disease. At least one publication reports experimental evidence evaluating enzyme activity and showed that the most pronounced variant effect results in <10% of normal activity (Li_2018). Two ClinVar submitters (evaluation after 2014) cite the variant as pathogenic. Based on the evidence outlined above, the variant was classified as pathogenic.

Broad Center for Mendelian Genomics, Broad Institute of MIT and Harvard
Classification: Pathogenic for Sphingomyelin/cholesterol lipidosis. Last evaluated: 2020-01-22. Review status: criteria provided, single submitter. Criteria: ACMG Guidelines, 2015. Collection method: curation. Allele origin: germline. Inheritance: Autosomal recessive inheritance.
Comment: The p.Lys189AsnfsTer68 variant in SMPD1 (also known as p.Lys187AsnfsTer68 due to a difference in cDNA numbering) has been reported in 2 individuals with Niemann-Pick disease (PMID: 29966168, 27338287), but data from large population studies is insufficient to assess the frequency of this variant. This variant has also been reported in ClinVar (VariationID: 496857) as pathogenic by EGL Genetic Diagnostics. This variant is predicted to cause a frameshift, which alters the protein's amino acid sequence beginning at position 189 and leads to a premature termination codon 68 amino acids downstream. This alteration is then predicted to lead to a truncated or absent protein. Loss of function of the SMPD1 gene is an established disease mechanism in autosomal recessive Niemann-Pick disease. The presence of this variant in an affected homozygotes and in combination with a reported pathogenic variant in an individual with Niemann-Pick disease increases the likelihood that the p.Lys189AsnfsTer68 variant is pathogenic (VariationID: 370798; PMID: 29966168, 27338287). The phenotype of an individual compound heterozygous for this variant is highly specific for Niemann Pick disease based on acid sphingomyelinase activity being <10% of normal, consistent with disease (PMID: 29966168). In summary, this variant meets criteria to be classified as pathogenic for Niemann-Pick disease in an autosomal recessive manner based on the prediction that it causes loss of function, its presence in affected homozygotes and compound heterozygotes, and the phenotype of patients with the variant being highly specific for disease. ACMG/AMP Criteria applied: PVS1, PM3, PP4 (Richards 2015).

Eurofins Ntd Llc (ga)
Classification: Pathogenic. Last evaluated: 2017-03-01. Review status: criteria provided, single submitter. Criteria: EGL Classification Definitions 2015. Collection method: clinical testing. Allele origin: germline. Observed: 1 variant allele, 1 heterozygote.

Literature cited by the submitters: PubMed 12369017 (cited by Labcorp Genetics (formerly Invitae), Labcorp); PubMed 15221801 (cited by Labcorp Genetics (formerly Invitae), Labcorp); PubMed 27338287 (cited by 3 submitters); PubMed 29966168 (cited by Women's Health and Genetics/Laboratory Corporation of America, LabCorp and Broad Center for Mendelian Genomics, Broad Institute of MIT and Harvard).